The following is an entry in ClinVar:

NM_001134673.4(NFIA):c.947-14A>C

Gene: NFIA (nuclear factor I A; plus strand). Cytogenetic location: 1p31.3.
Variant type: single nucleotide variant.
Coding change: c.947-14A>C on transcript NM_001134673.4 (MANE Select); 14 bases into the intron before coding-DNA position 947, A replaced by C.
Molecular consequence: intron variant.
Genome position (GRCh38, 1-based): chr1:61,383,223, A>C. VCF-style: chr1-61383223-A-C. GRCh37 (hg19) VCF-style: chr1-61848895-A-C.
Other names: c.923-14A>C (NM_001145511.2); c.1082-14A>C (NM_001145512.2); c.947-14A>C (NM_005595.5).
Identifiers: ClinVar variation 2957362 (VCV002957362.3), dbSNP rs1022294523, ClinGen allele CA23732422.

ClinVar aggregate classification (germline): Uncertain significance (1 of 4 stars; one submission).

Allele frequency attached by ClinVar (database versions not stated): gnomAD exomes below 0.00001.
gnomAD v4.1: 2 of 1,613,804 alleles (0.00012%); highest among the groups gnomAD compares: Middle Eastern, 0.017%; no homozygotes.

Submission:

Labcorp Genetics (formerly Invitae), Labcorp
Classification: Uncertain significance. Last evaluated: 2023-08-28. Review status: criteria provided, single submitter. Criteria: Invitae Variant Classification Sherloc (09022015). Collection method: clinical testing. Allele origin: germline.
Comment: This sequence change falls in intron 6 of the NFIA gene. It does not directly change the encoded amino acid sequence of the NFIA protein. In summary, the available evidence is currently insufficient to determine the role of this variant in disease. Therefore, it has been classified as a Variant of Uncertain Significance. Algorithms developed to predict the effect of sequence changes on RNA splicing suggest that this variant may disrupt the consensus splice site. This variant has not been reported in the literature in individuals affected with NFIA-related conditions. This variant is not present in population databases (gnomAD no frequency).